The following is an entry in ClinVar:

NM_002439.5(MSH3):c.580-1G>C

Gene: MSH3 (mutS homolog 3; plus strand). Cytogenetic location: 5q14.1.
Variant type: single nucleotide variant.
Coding change: c.580-1G>C on transcript NM_002439.5 (MANE Select); the canonical splice acceptor site of the intron before coding-DNA position 580, G replaced by C.
Molecular consequence: splice acceptor variant.
Genome position (GRCh38, 1-based): chr5:80,670,096, G>C. VCF-style: chr5-80670096-G-C. GRCh37 (hg19) VCF-style: chr5-79965915-G-C.
Identifiers: ClinVar variation 2766774 (VCV002766774.3), dbSNP rs1210455950, ClinGen allele CA360265848.
Genomic context (GRCh38, chr5:80,670,096, plus strand): 5'-CTCTGGGAACTTATTATTGTGGTTAATATTTTTAAAACTTTATACATCTTTTGGTTGCCA[G>C]GACACAACACTTTTTGATCTCAGTCAGTTTGGATCATCAAATACAAGTCATGAAAATTTA-3'

ClinVar aggregate classification (germline): Likely pathogenic (1 of 4 stars; one submission).

Submission:

Labcorp Genetics (formerly Invitae), Labcorp
Classification: Likely pathogenic. Last evaluated: 2023-10-08. Review status: criteria provided, single submitter. Criteria: Invitae Variant Classification Sherloc (09022015). Collection method: clinical testing. Allele origin: germline.
Comment: This sequence change affects an acceptor splice site in intron 3 of the MSH3 gene. It is expected to disrupt RNA splicing. Variants that disrupt the donor or acceptor splice site typically lead to a loss of protein function (PMID: 16199547), and loss-of-function variants in MSH3 are known to be pathogenic (PMID: 27476653, 37402566). This variant is not present in population databases (gnomAD no frequency). This variant has not been reported in the literature in individuals affected with MSH3-related conditions. Algorithms developed to predict the effect of sequence changes on RNA splicing suggest that this variant may disrupt the consensus splice site. In summary, the currently available evidence indicates that the variant is pathogenic, but additional data are needed to prove that conclusively. Therefore, this variant has been classified as Likely Pathogenic.

Literature cited by the submitters: PubMed 16199547; PubMed 27476653; PubMed 37402566.